The following is an entry in ClinVar:

NM_001375405.1(CEP120):c.623G>A (p.Cys208Tyr)

Gene: CEP120 (centrosomal protein 120; minus strand). Cytogenetic location: 5q23.2.
Variant type: single nucleotide variant.
Coding change: c.623G>A on transcript NM_001375405.1 (MANE Select); coding-DNA position 623, G replaced by A.
Protein change: p.Cys208Tyr; replaces cysteine 208 with tyrosine.
Molecular consequence: missense variant. On other transcripts: non-coding transcript variant (1).
Genome position (GRCh38, 1-based): chr5:123,393,487, C>T on the plus strand (G>A on the coding strand, the complement: CEP120 is on the minus strand). VCF-style: chr5-123393487-C-T. GRCh37 (hg19) VCF-style: chr5-122729181-C-T.
Other names: c.545G>A, p.Cys182Tyr (NM_001166226.2); c.623G>A, p.Cys208Tyr (NM_001375406.1, NM_001375407.1, NM_153223.4); c.50G>A, p.Cys17Tyr (NM_001375408.1, NM_001375409.1); short protein forms C182Y, C17Y, C208Y.
Identifiers: ClinVar variation 1397769 (VCV001397769.6), dbSNP rs370960719, ClinGen allele CA3387162.
Genomic context (GRCh38, chr5:123,393,487, plus strand): 5'-TTTCCCAGTAAAGAGTAGTAAAAGAAAAACTCAGGCTGTCTTTCTGGAAGTTTCATGGTA[C>T]ATGGAATTAACTAAACATTTCAGGAAAAAGAAAACAGTTATTACTTTCTAAACTACTGAA-3'
Protein context (NP_001362334.1, residues 198-218): FATQLEQLIP[Cys208Tyr]TMKLPERQPE

ClinVar aggregate classification (germline): Uncertain significance (1 of 4 stars; one submission).

Conditions:
Short-rib thoracic dysplasia 13 with or without polydactyly (SRTD13). Identifiers: Orphanet 474, MedGen C4225378, MONDO:0014577, OMIM 616300.

Allele frequency attached by ClinVar (database versions not stated): gnomAD 0.00001; gnomAD exomes 0.00001; TOPMed 0.00001; ExAC 0.00002; ESP Exome Variant Server 0.00008.
gnomAD v4.1: 2 of 1,613,138 alleles (0.00012%); highest among the groups gnomAD compares: Non-Finnish European, 0.00017%; no homozygotes.

Submission:

Labcorp Genetics (formerly Invitae), Labcorp
Classification: Uncertain significance for Short-rib thoracic dysplasia 13 with or without polydactyly. Last evaluated: 2021-08-05. Review status: criteria provided, single submitter. Criteria: Invitae Variant Classification Sherloc (09022015). Collection method: clinical testing. Allele origin: germline.
Comment: In summary, the available evidence is currently insufficient to determine the role of this variant in disease. Therefore, it has been classified as a Variant of Uncertain Significance. Algorithms developed to predict the effect of missense changes on protein structure and function are either unavailable or do not agree on the potential impact of this missense change (SIFT: "Deleterious"; PolyPhen-2: "Possibly Damaging"; Align-GVGD: "Class C0"). This variant has not been reported in the literature in individuals affected with CEP120-related conditions. This variant is present in population databases (rs370960719, ExAC 0.003%). This sequence change replaces cysteine with tyrosine at codon 208 of the CEP120 protein (p.Cys208Tyr). The cysteine residue is moderately conserved and there is a large physicochemical difference between cysteine and tyrosine.